The following is an entry in ClinVar:

NM_000256.3(MYBPC3):c.2512dup (p.Glu838fs)

Gene: MYBPC3 (myosin binding protein C3; minus strand). Cytogenetic location: 11p11.2.
Variant type: Duplication.
Coding change: c.2512dup on transcript NM_000256.3 (MANE Select); coding-DNA position 2512, one base duplicated (G; older notation c.2512dupG).
Protein change: p.Glu838fs; shifts the reading frame from glutamic acid 838.
Molecular consequence: frameshift variant.
Genome position (GRCh38, 1-based): chr11:47,337,481, C duplicated on the plus strand (G on the coding strand, the reverse complement: MYBPC3 is on the minus strand). VCF-style (leftmost placement, unchanged base first): chr11-47337480-T-TC. GRCh37 (hg19) VCF-style: chr11-47359031-T-TC.
Other names: short protein forms E838fs.
Identifiers: ClinVar variation 1455319 (VCV001455319.7), dbSNP rs1219930764, ClinGen allele CA676994848.

ClinVar aggregate classification (germline): Pathogenic/Likely pathogenic. Review status: criteria provided, multiple submitters, no conflicts (2 of 4 stars). 2 submissions from 2 submitters: Pathogenic (1); Likely pathogenic (1). Last evaluated 2021-10-06.

Conditions:
Hypertrophic cardiomyopathy. Also called: HYPERTROPHIC MYOCARDIOPATHY. Identifiers: Orphanet 217569, MedGen C0007194, MeSH D002312, MONDO:0005045, HP:0001639.
MYBPC3-related disorder. Also called: MYBPC3-related disorders; MYBPC3-related condition; MYBPC3-related disease.

Allele frequency attached by ClinVar (database versions not stated): gnomAD exomes below 0.00001.

Submissions (2):

Labcorp Genetics (formerly Invitae), Labcorp
Classification: Pathogenic for Hypertrophic cardiomyopathy. Last evaluated: 2021-10-06. Review status: criteria provided, single submitter. Criteria: Invitae Variant Classification Sherloc (09022015). Collection method: clinical testing. Allele origin: germline.
Comment: This variant is not present in population databases (ExAC no frequency). This sequence change creates a premature translational stop signal (p.Glu838Glyfs*46) in the MYBPC3 gene. It is expected to result in an absent or disrupted protein product. Loss-of-function variants in MYBPC3 are known to be pathogenic (PMID: 19574547). This premature translational stop signal has been observed in individual(s) with hypertrophic cardiomyopathy (PMID: 23396983, 27532257). For these reasons, this variant has been classified as Pathogenic.

Blueprint Genetics
Classification: Likely pathogenic for MYBPC3-related disorders. Last evaluated: 2021-09-22. Review status: criteria provided, single submitter. Criteria: ACMG Guidelines, 2015. Collection method: clinical testing. Allele origin: germline. Affected: yes. Observed: 1 variant allele.

Literature cited by the submitters: PubMed 19574547 (cited by Labcorp Genetics (formerly Invitae), Labcorp); PubMed 23396983 (cited by Labcorp Genetics (formerly Invitae), Labcorp); PubMed 27532257 (cited by Labcorp Genetics (formerly Invitae), Labcorp).